The following is an entry in ClinVar:

ClinVar aggregate classification (germline): Uncertain significance (1 of 4 stars; one submission).

Submission:

GeneDx
Classification: Uncertain significance. Last evaluated: 2024-05-09. Review status: criteria provided, single submitter. Criteria: GeneDx Variant Classification Process June 2021. Collection method: clinical testing. Allele origin: germline. Affected: yes.
Comment: Not observed at significant frequency in large population cohorts (gnomAD); In silico analysis indicates that this missense variant does not alter protein structure/function; Has not been previously published as pathogenic or benign to our knowledge

NM_001112741.2(KCNC1):c.367G>A (p.Gly123Ser)

Gene: KCNC1 (potassium voltage-gated channel subfamily C member 1; plus strand). Cytogenetic location: 11p15.1.
Variant type: single nucleotide variant.
Coding change: c.367G>A on transcript NM_001112741.2 (MANE Select); coding-DNA position 367, G replaced by A.
Protein change: p.Gly123Ser; replaces glycine 123 with serine.
Molecular consequence: missense variant.
Genome position (GRCh38, 1-based): chr11:17,736,369, G>A. VCF-style: chr11-17736369-G-A. GRCh37 (hg19) VCF-style: chr11-17757916-G-A.
Other names: c.367G>A, p.Gly123Ser (NM_004976.4); short protein forms G123S.
Identifiers: ClinVar variation 3375608 (VCV003375608.1).